The following is an entry in ClinVar:

NM_172107.4(KCNQ2):c.1763+1608C>T

Gene: KCNQ2 (potassium voltage-gated channel subfamily Q member 2; minus strand). Cytogenetic location: 20q13.33.
Variant type: single nucleotide variant.
Coding change: c.1763+1608C>T on transcript NM_172107.4 (MANE Select); 1608 bases into the intron after coding-DNA position 1763, C replaced by T.
Molecular consequence: intron variant. On other transcripts: missense variant (1).
Genome position (GRCh38, 1-based): chr20:63,411,842, G>A on the plus strand (C>T on the coding strand, the complement: KCNQ2 is on the minus strand). VCF-style: chr20-63411842-G-A. GRCh37 (hg19) VCF-style: chr20-62043195-G-A.
Other names: c.1750C>T, p.Arg584Trp (NM_001382235.1); c.1676+1608C>T (NM_001439004.1); c.1679+1608C>T (NM_004518.6); c.1670+1608C>T (NM_172108.5); c.1706+1608C>T (NM_001439003.1); c.1709+1608C>T (NM_172106.3); short protein forms R584W.
Identifiers: ClinVar variation 4872951 (VCV004872951.2).

ClinVar aggregate classification (germline): Likely benign (1 of 4 stars; one submission).

gnomAD v4.1: 49 of 703,910 alleles (0.007%); highest among the groups gnomAD compares: South Asian, 0.071%; no homozygotes.

Submission:

CeGaT Center for Human Genetics Tuebingen
Classification: Likely benign. Last evaluated: 2026-04-01. Review status: criteria provided, single submitter. Criteria: CeGaT Center For Human Genetics Tuebingen Variant Classification Criteria Version 2. Collection method: clinical testing. Allele origin: germline. Affected: yes. Observed: 1 variant allele.
Comment: KCNQ2: PP3, BS1